The following is an entry in ClinVar:

NM_000540.3(RYR1):c.5815-17C>G

Gene: RYR1 (ryanodine receptor 1; plus strand). Cytogenetic location: 19q13.2.
Variant type: single nucleotide variant.
Coding change: c.5815-17C>G on transcript NM_000540.3 (MANE Select); 17 bases into the intron before coding-DNA position 5815, C replaced by G.
Molecular consequence: intron variant.
Genome position (GRCh38, 1-based): chr19:38,490,059, C>G. VCF-style: chr19-38490059-C-G. GRCh37 (hg19) VCF-style: chr19-38980699-C-G.
Other names: c.5815-17C>G (NM_001042723.2).
Identifiers: ClinVar variation 3631127 (VCV003631127.2).

ClinVar aggregate classification (germline): Uncertain significance (1 of 4 stars; one submission).

Conditions:
RYR1-related disorder. Also called: RYR1-related condition; RYR1-related disorders. Identifiers: MedGen CN239331.

gnomAD v4.1: 32 of 1,613,086 alleles (0.002%); highest among the groups gnomAD compares: Non-Finnish European, 0.0027%; no homozygotes.

Submission:

Labcorp Genetics (formerly Invitae), Labcorp
Classification: Uncertain significance for RYR1-related disorder. Last evaluated: 2024-06-19. Review status: criteria provided, single submitter. Criteria: Invitae Variant Classification Sherloc (09022015). Collection method: clinical testing. Allele origin: germline.
Comment: This sequence change falls in intron 35 of the RYR1 gene. It does not directly change the encoded amino acid sequence of the RYR1 protein. This variant is present in population databases (rs768231298, gnomAD 0.0009%). This variant has been observed in individual(s) with clinical features of RYR1-related conditions (Invitae). Algorithms developed to predict the effect of sequence changes on RNA splicing suggest that this variant may disrupt the consensus splice site. In summary, the available evidence is currently insufficient to determine the role of this variant in disease. Therefore, it has been classified as a Variant of Uncertain Significance.